The following is an entry in ClinVar:

ClinVar aggregate classification (germline): Likely benign (0 of 4 stars; one submission).

Conditions:
UCP3-related disorder. Also called: UCP3-related condition.

gnomAD v4.1: 3 of 1,614,178 alleles (0.00019%); highest among the groups gnomAD compares: Admixed American, 0.0033%; no homozygotes.

Submission:

PreventionGenetics, part of Exact Sciences
Classification: Likely benign for UCP3-related condition. Last evaluated: 2023-03-10. Review status: no assertion criteria provided. Collection method: clinical testing. Allele origin: germline.
Comment: This variant is classified as likely benign based on ACMG/AMP sequence variant interpretation guidelines (Richards et al. 2015 PMID: 25741868, with internal and published modifications).

NM_003356.4(UCP3):c.372C>T (p.Cys124=)

Gene: UCP3 (uncoupling protein 3; minus strand). Cytogenetic location: 11q13.4.
Variant type: single nucleotide variant.
Coding change: c.372C>T on transcript NM_003356.4 (MANE Select); coding-DNA position 372, C replaced by T.
Protein change: p.Cys124=; no amino-acid change (cysteine 124 retained).
Molecular consequence: synonymous variant.
Genome position (GRCh38, 1-based): chr11:74,005,899, G>A on the plus strand (C>T on the coding strand, the complement: UCP3 is on the minus strand). VCF-style: chr11-74005899-G-A. GRCh37 (hg19) VCF-style: chr11-73716944-G-A.
Other names: c.372C>T, p.Cys124= (NM_022803.3).
Identifiers: ClinVar variation 3355324 (VCV003355324.1).